The following is an entry in ClinVar:

NM_007294.4(BRCA1):c.5193+28A>G

Gene: BRCA1 (BRCA1 DNA repair associated; minus strand). Cytogenetic location: 17q21.31.
Variant type: single nucleotide variant.
Coding change: c.5193+28A>G on transcript NM_007294.4 (MANE Select); 28 bases into the intron after coding-DNA position 5193, A replaced by G.
Molecular consequence: intron variant.
Genome position (GRCh38, 1-based): chr17:43,063,305, T>C on the plus strand (A>G on the coding strand, the complement: BRCA1 is on the minus strand). VCF-style: chr17-43063305-T-C. GRCh37 (hg19) VCF-style: chr17-41215322-T-C.
Other names: c.1740+28A>G (NM_001408458.1, NM_001408461.1, NM_001408464.1 and 7 more transcripts); c.4302+28A>G (NM_001407967.1); c.4812+28A>G (NM_001407959.1); c.4926+28A>G (NM_001407931.1, NM_001407932.1, NM_001407928.1 and 4 more transcripts); c.5049+28A>G (NM_001407747.1, NM_001407745.1, NM_001407737.1 and 21 more transcripts); c.4809+28A>G (NM_001407962.1, NM_001407960.1); c.1380+28A>G (NM_001408512.1); c.1503+28A>G (NM_001408510.1); and 72 more.
Identifiers: ClinVar variation 865139 (VCV000865139.3), dbSNP rs1440184813, ClinGen allele CA626080623.

Conditions:
Breast-ovarian cancer, familial, susceptibility to, 1 (BROVCA1). Also called: BRCA1 Hereditary Breast and Ovarian Cancer; OVARIAN CANCER, SUSCEPTIBILITY TO. Identifiers: Orphanet 145, MedGen C2676676, MONDO:0011450, OMIM 604370. Disease mechanism: loss of function.

Allele frequency attached by ClinVar (database versions not stated): gnomAD exomes below 0.00001.
gnomAD v4.1: 1 of 1,564,796 alleles (0.000064%); highest among the groups gnomAD compares: Non-Finnish European, 0.000088%; no homozygotes.

Submission:

Brotman Baty Institute, University of Washington
No classification provided (evidence only). Condition: Breast-ovarian cancer, familial 1. Review status: no classification provided. Collection method: in vitro. Allele origin: not applicable. Functional consequence: functionally_normal.
ClinVar note: "not provided" was previously submitted as the classification for the variant. However, the classification appeared to be based only on an observation of functional data so it was converted to no classification on 2025-07-30.